The following is an entry in ClinVar:

NM_030665.4(RAI1):c.136C>T (p.Leu46Phe)

Gene: RAI1 (retinoic acid induced 1; plus strand). Cytogenetic location: 17p11.2.
Variant type: single nucleotide variant.
Coding change: c.136C>T on transcript NM_030665.4 (MANE Select); coding-DNA position 136, C replaced by T.
Protein change: p.Leu46Phe; replaces leucine 46 with phenylalanine.
Molecular consequence: missense variant.
Genome position (GRCh38, 1-based): chr17:17,793,084, C>T. VCF-style: chr17-17793084-C-T. GRCh37 (hg19) VCF-style: chr17-17696398-C-T.
Other names: short protein forms L46F.
Identifiers: ClinVar variation 3645751 (VCV003645751.2).
Genomic context (GRCh38, chr17:17,793,084, plus strand): 5'-CGCCTAGAGAATTACAGGCAGCCGAGTCAGGCCGGGCTAAGCTGCGACCGGCAGCGGCTG[C>T]TCGCCAAGGACTATTATAACCCGCAGCCTTACCCGAGCTATGAGGGTGGCGCTGGCACGC-3'
Protein context (NP_109590.3, residues 36-56): AGLSCDRQRL[Leu46Phe]AKDYYNPQPY

ClinVar aggregate classification (germline): Uncertain significance (1 of 4 stars; one submission).

Submission:

Labcorp Genetics (formerly Invitae), Labcorp
Classification: Uncertain significance. Last evaluated: 2024-03-13. Review status: criteria provided, single submitter. Criteria: Invitae Variant Classification Sherloc (09022015). Collection method: clinical testing. Allele origin: germline.
Comment: This sequence change replaces leucine, which is neutral and non-polar, with phenylalanine, which is neutral and non-polar, at codon 46 of the RAI1 protein (p.Leu46Phe). This variant is not present in population databases (gnomAD no frequency). This variant has not been reported in the literature in individuals affected with RAI1-related conditions. Advanced modeling of protein sequence and biophysical properties (such as structural, functional, and spatial information, amino acid conservation, physicochemical variation, residue mobility, and thermodynamic stability) performed at Invitae indicates that this missense variant is not expected to disrupt RAI1 protein function with a negative predictive value of 80%. In summary, the available evidence is currently insufficient to determine the role of this variant in disease. Therefore, it has been classified as a Variant of Uncertain Significance.